The following is an entry in ClinVar:

ClinVar aggregate classification (germline): Uncertain significance (1 of 4 stars; one submission).

Submission:

Dasa
Classification: Uncertain significance. Last evaluated: 2026-03-31. Review status: criteria provided, single submitter. Criteria: DASA Assertion Criteria. Collection method: clinical testing. Allele origin: germline.
Comment: NM_021224.6(ZNF462):c.5590A>G (p.Met1864Val) is a missense variant that results in the substitution of methionine with valine. This variant is rare in population databases. The currently available literature and clinical evidence are not sufficient to establish a definitive association between this variant and the reported condition. Therefore, this variant is classified as a variant of uncertain significance.

NM_021224.6(ZNF462):c.5590A>G (p.Met1864Val)

Gene: ZNF462 (zinc finger protein 462; plus strand). Cytogenetic location: 9q31.2.
Variant type: single nucleotide variant.
Coding change: c.5590A>G on transcript NM_021224.6 (MANE Select); coding-DNA position 5590, A replaced by G.
Protein change: p.Met1864Val; replaces methionine 1864 with valine.
Molecular consequence: missense variant. On other transcripts: intron variant (1).
Genome position (GRCh38, 1-based): chr9:106,929,502, A>G. VCF-style: chr9-106929502-A-G. GRCh37 (hg19) VCF-style: chr9-109691783-A-G.
Other names: c.3253-1023A>G (NM_001347997.2); short protein forms M1864V.
Identifiers: ClinVar variation 4881522 (VCV004881522.2).
Genomic context (GRCh38, chr9:106,929,502, plus strand): 5'-CTCCCATTCCGCTGCATCAAATGCTTCAAGCTGTCCTTTAGCACTGCAGAGCTGCTGTGC[A>G]TGCATTACACTGACCACCACAGTCGGGACCTAAAGAGGGACTTCATCATTCTGGGCAACG-3'
Protein context (NP_067047.4, residues 1854-1874): LSFSTAELLC[Met1864Val]HYTDHHSRDL